The following is an entry in ClinVar:

NM_170601.5(SIAE):c.796T>C (p.Cys266Arg)

Gene: SIAE (sialic acid acetylesterase; minus strand). Cytogenetic location: 11q24.2.
Variant type: single nucleotide variant.
Coding change: c.796T>C on transcript NM_170601.5 (MANE Select); coding-DNA position 796, T replaced by C.
Protein change: p.Cys266Arg; replaces cysteine 266 with arginine.
Molecular consequence: missense variant.
Genome position (GRCh38, 1-based): chr11:124,648,102, A>G on the plus strand (T>C on the coding strand, the complement: SIAE is on the minus strand). VCF-style: chr11-124648102-A-G. GRCh37 (hg19) VCF-style: chr11-124517998-A-G.
Other names: c.691T>C, p.Cys231Arg (NM_001199922.2); short protein forms C231R, C266R.
Identifiers: ClinVar variation 1361095 (VCV001361095.8), dbSNP rs746914032, ClinGen allele CA383149276.
Genomic context (GRCh38, chr11:124,648,102, plus strand): 5'-AGAAAGAGTACACTGAACACTTACCCTGGTACCATACTACCCCTTTCAGAGTCATATTGC[A>G]CAGTGGATGGATCATGGCATTCCAGAGAACAGAGTGCTTACTGGGACCAGTTACAGAATC-3'
Protein context (NP_733746.1, residues 256-276): VLWNAMIHPL[Cys266Arg]NMTLKGVVWY

ClinVar aggregate classification (germline): Uncertain significance (1 of 4 stars; one submission).

Allele frequency attached by ClinVar (database versions not stated): gnomAD 0.00001.
gnomAD v4.1: 1 of 1,614,044 alleles (0.000062%); highest among the groups gnomAD compares: Non-Finnish European, 0.000085%; no homozygotes.

Submission:

Labcorp Genetics (formerly Invitae), Labcorp
Classification: Uncertain significance. Last evaluated: 2022-10-16. Review status: criteria provided, single submitter. Criteria: Invitae Variant Classification Sherloc (09022015). Collection method: clinical testing. Allele origin: germline.
Comment: In summary, the available evidence is currently insufficient to determine the role of this variant in disease. Therefore, it has been classified as a Variant of Uncertain Significance. Algorithms developed to predict the effect of missense changes on protein structure and function output the following: SIFT: "Tolerated"; PolyPhen-2: "Benign"; Align-GVGD: "Class C0". The arginine amino acid residue is found in multiple mammalian species, which suggests that this missense change does not adversely affect protein function. ClinVar contains an entry for this variant (Variation ID: 1361095). This variant has not been reported in the literature in individuals affected with SIAE-related conditions. This variant is present in population databases (no rsID available, gnomAD 0.0009%). This sequence change replaces cysteine, which is neutral and slightly polar, with arginine, which is basic and polar, at codon 266 of the SIAE protein (p.Cys266Arg).